The following is an entry in ClinVar:

NM_002335.4(LRP5):c.1801+675A>G

Gene: LRP5 (LDL receptor related protein 5; plus strand). Cytogenetic location: 11q13.2.
Variant type: single nucleotide variant.
Coding change: c.1801+675A>G on transcript NM_002335.4 (MANE Select); 675 bases into the intron after coding-DNA position 1801, A replaced by G.
Molecular consequence: intron variant. On other transcripts: missense variant (1).
Genome position (GRCh38, 1-based): chr11:68,404,374, A>G. VCF-style: chr11-68404374-A-G. GRCh37 (hg19) VCF-style: chr11-68171842-A-G.
Other names: c.16A>G, p.Thr6Ala (NM_001291902.2); c.16A>G (NM_001291902.1); short protein forms T6A.
Identifiers: ClinVar variation 1299906 (VCV001299906.36), dbSNP rs555106014, ClinGen allele CA6149443.
Genomic context (GRCh38, chr11:68,404,374, plus strand): 5'-CCACACTGCACCTGCTTGTCAGAGGCACTCAGTCAATCTTTGCTGATGAAGGATGAGAGG[A>G]CAGAGGACGTGATGCTTGCTGCTGCATTGCCTGCAGTCCTGGGTGAGATGCCCGGGTTGA-3'

ClinVar aggregate classification (germline): Conflicting classifications of pathogenicity. Review status: criteria provided, conflicting classifications (1 of 4 stars). 9 submissions from 9 submitters: Uncertain significance (2); Likely benign (4). 3 of the submissions do not count toward it. Last evaluated 2024-11-20.

Conditions:
LRP5-related disorder. Also called: LRP5-related condition.
Osteoporosis with pseudoglioma (OPPG). Also called: osteoporosis-pseudoglioma syndrome. Identifiers: Orphanet 2788, MedGen C0432252, MONDO:0009820, OMIM 259770.
Exudative vitreoretinopathy 4 (EVR4). Identifiers: Orphanet 891, MedGen C1866176, MONDO:0011151, OMIM 601813.
Worth disease. Also called: OSTEOSCLEROSIS, AUTOSOMAL DOMINANT; Autosomal dominant osteosclerosis, Worth type; ENDOSTEAL HYPEROSTOSIS, AUTOSOMAL DOMINANT. Identifiers: Orphanet 2790, MedGen C0432273, MONDO:0007764, OMIM 144750.
Autosomal dominant osteopetrosis 1 (OPTA1). Also called: OSTEOPETROSIS, AUTOSOMAL DOMINANT, TYPE I. Identifiers: Orphanet 2783, MedGen C1843330, MONDO:0011877, OMIM 607634.
Polycystic liver disease 4 with or without kidney cysts. Identifiers: MedGen C4693479, MONDO:0044327, OMIM 617875.
Exudative vitreoretinopathy 1 (EVR1). Also called: FEVR, AUTOSOMAL DOMINANT; Familial exudative vitreoretinopathy, autosomal dominant; CRISWICK-SCHEPENS SYNDROME. Identifiers: Orphanet 891, Orphanet 90050, MedGen C1851402, MONDO:0007589, OMIM 133780.

Allele frequency attached by ClinVar (database versions not stated): 1000 Genomes Project 0.00060; 1000 Genomes Project 30x 0.00062; ExAC 0.00145; gnomAD exomes 0.00167 and 0.00223; TOPMed 0.00174; gnomAD 0.00186 and 0.00188.
gnomAD v4.1: 1,112 of 522,150 alleles (0.21%); highest among the groups gnomAD compares: Non-Finnish European, 0.32%; 4 homozygotes.

Submissions (9):

Blueprint Genetics
Classification: Likely benign. Last evaluated: 2024-11-20. Review status: criteria provided, single submitter. Criteria: ACMG Guidelines, 2015. Collection method: clinical testing. Allele origin: germline.

GeneDx
Classification: Uncertain significance. Last evaluated: 2024-10-11. Review status: criteria provided, single submitter. Criteria: GeneDx Variant Classification Process June 2021. Collection method: clinical testing. Allele origin: germline. Affected: yes.
Comment: In silico analysis does not support a benign or deleterious effect of this variant on protein structure/function; Reported using an alternate transcript of the gene; Has not been previously published as pathogenic or benign to our knowledge

ARUP Laboratories, Molecular Genetics and Genomics, ARUP Laboratories
Classification: Likely benign. Last evaluated: 2023-09-17. Review status: criteria provided, single submitter. Criteria: ARUP Molecular Germline Variant Investigation Process 2024. Collection method: clinical testing. Allele origin: germline.

CeGaT Center for Human Genetics Tuebingen
Classification: Likely benign. Last evaluated: 2023-06-01. Review status: criteria provided, single submitter. Criteria: CeGaT Center For Human Genetics Tuebingen Variant Classification Criteria Version 2. Collection method: clinical testing. Allele origin: germline. Affected: yes. Observed: 4 variant alleles.
Comment: LRP5: BS2

Department of Pathology and Laboratory Medicine, Sinai Health System
Classification: Likely benign for Exudative vitreoretinopathy 1; Worth disease; Osteoporosis with pseudoglioma; Exudative vitreoretinopathy 4; Autosomal dominant osteopetrosis 1; Polycystic liver disease 4 with or without kidney cysts. Last evaluated: 2022-01-21. Review status: criteria provided, single submitter. Criteria: ACMG Guidelines, 2015. Collection method: research. Allele origin: germline.

Breakthrough Genomics
Classification: Uncertain significance. Review status: criteria provided, single submitter. Criteria: ACMG Guidelines, 2015. Collection method: not provided. Allele origin: germline. Inheritance: Autosomal recessive inheritance. Affected: yes.

PreventionGenetics, part of Exact Sciences
Classification: Likely benign for LRP5-related condition. Last evaluated: 2020-12-24. Review status: no assertion criteria provided. Collection method: clinical testing. Allele origin: germline. Not counted in ClinVar's aggregate classification.
Comment: This variant is classified as likely benign based on ACMG/AMP sequence variant interpretation guidelines (Richards et al. 2015 PMID: 25741868, with internal and published modifications).

Clinical Genetics DNA and cytogenetics Diagnostics Lab, Erasmus MC, Erasmus Medical Center
Classification: Uncertain significance. Review status: no assertion criteria provided. Collection method: clinical testing. Allele origin: germline. Affected: yes. Study: VKGL Data-share Consensus. Not counted in ClinVar's aggregate classification.

Clinical Genetics, Academic Medical Center
Classification: Uncertain significance. Review status: no assertion criteria provided. Collection method: clinical testing. Allele origin: germline. Affected: yes. Study: VKGL Data-share Consensus. Not counted in ClinVar's aggregate classification.